The following is an entry in ClinVar:

ClinVar aggregate classification (germline): Uncertain significance (1 of 4 stars; one submission).

Conditions:
Glycogen storage disease type X (GSD10). Also called: Dimauro disease; MYOPATHY DUE TO PHOSPHOGLYCERATE MUTASE DEFICIENCY; PGAMM DEFICIENCY; PHOSPHOGLYCERATE MUTASE, MUSCLE, DEFICIENCY OF; Glycogen storage disease due to phosphoglycerate mutase deficiency; GSD X. Identifiers: Orphanet 97234, MedGen C0268149, MONDO:0009865, OMIM 261670.

Allele frequency attached by ClinVar (database versions not stated): gnomAD exomes below 0.00001 and 0.00001.
gnomAD v4.1: 6 of 1,613,986 alleles (0.00037%); highest among the groups gnomAD compares: African/African-American, 0.0027%; no homozygotes.

Submission:

Labcorp Genetics (formerly Invitae), Labcorp
Classification: Uncertain significance for Glycogen storage disease type X. Last evaluated: 2018-12-18. Review status: criteria provided, single submitter. Criteria: Invitae Variant Classification Sherloc (09022015). Collection method: clinical testing. Allele origin: germline.
Comment: This variant is not present in population databases (ExAC no frequency). This sequence change replaces proline with leucine at codon 125 of the PGAM2 protein (p.Pro125Leu). The proline residue is highly conserved and there is a moderate physicochemical difference between proline and leucine. This variant has not been reported in the literature in individuals with PGAM2-related conditions. In summary, the available evidence is currently insufficient to determine the role of this variant in disease. Therefore, it has been classified as a Variant of Uncertain Significance. Algorithms developed to predict the effect of missense changes on protein structure and function are either unavailable or do not agree on the potential impact of this missense change (SIFT: "Deleterious"; PolyPhen-2: "Possibly Damaging"; Align-GVGD: "Class C0").

NM_000290.4(PGAM2):c.374C>T (p.Pro125Leu)

Genes: DBNL (drebrin like; plus strand), PGAM2 (phosphoglycerate mutase 2; minus strand), LOC129998342 (ATAC-STARR-seq lymphoblastoid active region 25925; plus strand). Cytogenetic location: 7p13.
Variant type: single nucleotide variant.
Coding change: c.374C>T on transcript NM_000290.4 (MANE Select); coding-DNA position 374, C replaced by T.
Protein change: p.Pro125Leu; replaces proline 125 with leucine.
Molecular consequence: missense variant. On other transcripts: 3 prime UTR variant (6).
Genome position (GRCh38, 1-based): chr7:44,065,156, G>A on the plus strand (C>T on the coding strand, the complement: PGAM2 is on the minus strand). VCF-style: chr7-44065156-G-A. GRCh37 (hg19) VCF-style: chr7-44104755-G-A.
Other names: c.*4240G>A (NM_001014436.3, NM_001122956.2, NM_001284313.2 and 3 more transcripts); short protein forms P125L.
Identifiers: ClinVar variation 663111 (VCV000663111.9), dbSNP rs1385458139, ClinGen allele CA367368198.
Genomic context (GRCh38, chr7:44,065,156, plus strand): 5'-TCCCAGCAAAGGCAGCCCACCTTGCTAATGGAGTTGTAGTAGGGGTGCTTCTCGTCCATC[G>A]GGGGCGGCGGGATGTCGAAGGAGCGCCTCCAGATCTTCACCTGCTCCTCCCCGTGCTTGG-3'
Protein context (NP_000281.2, residues 115-135): WRRSFDIPPP[Pro125Leu]MDEKHPYYNS